The following is an entry in ClinVar:

ClinVar aggregate classification (germline): Uncertain significance. Review status: criteria provided, multiple submitters, no conflicts (2 of 4 stars). 2 submissions from 2 submitters: Uncertain significance (2). Last evaluated 2022-08-16.

Conditions:
Dilated cardiomyopathy 1KK (CMD1KK). Identifiers: Orphanet 154, Orphanet 75249, MedGen C3714995, MONDO:0014100, OMIM 615248.

Submissions (2):

Labcorp Genetics (formerly Invitae), Labcorp
Classification: Uncertain significance for Dilated cardiomyopathy 1KK. Last evaluated: 2022-08-16. Review status: criteria provided, single submitter. Criteria: Invitae Variant Classification Sherloc (09022015). Collection method: clinical testing. Allele origin: germline.
Comment: In summary, the available evidence is currently insufficient to determine the role of this variant in disease. Therefore, it has been classified as a Variant of Uncertain Significance. Algorithms developed to predict the effect of missense changes on protein structure and function are either unavailable or do not agree on the potential impact of this missense change (SIFT: "Deleterious"; PolyPhen-2: "Possibly Damaging"; Align-GVGD: "Class C15"). ClinVar contains an entry for this variant (Variation ID: 477745). This variant has not been reported in the literature in individuals affected with MYPN-related conditions. This variant is not present in population databases (gnomAD no frequency). This sequence change replaces asparagine, which is neutral and polar, with isoleucine, which is neutral and non-polar, at codon 668 of the MYPN protein (p.Asn668Ile).

Stanford Center for Inherited Cardiovascular Disease, Stanford University
Classification: Uncertain significance. Last evaluated: 2017-08-02. Review status: criteria provided, single submitter. Criteria: ACMG Guidelines, 2015. Collection method: provider interpretation. Allele origin: germline.

NM_032578.4(MYPN):c.2003A>T (p.Asn668Ile)

Gene: MYPN (myopalladin; plus strand). Cytogenetic location: 10q21.3.
Variant type: single nucleotide variant.
Coding change: c.2003A>T on transcript NM_032578.4 (MANE Select); coding-DNA position 2003, A replaced by T.
Protein change: p.Asn668Ile; replaces asparagine 668 with isoleucine.
Molecular consequence: missense variant. On other transcripts: non-coding transcript variant (2).
Genome position (GRCh38, 1-based): chr10:68,174,095, A>T. VCF-style: chr10-68174095-A-T. GRCh37 (hg19) VCF-style: chr10-69933852-A-T.
Other names: c.2003A>T, p.Asn668Ile (NM_001256267.2); c.1121A>T, p.Asn374Ile (NM_001256268.2); short protein forms N668I, N374I.
Identifiers: ClinVar variation 477745 (VCV000477745.11), dbSNP rs1554846764, ClinGen allele CA376843269.
Genomic context (GRCh38, chr10:68,174,095, plus strand): 5'-TTCTCTCTCTCCACCCTTGTTTTGTGTACAGTGATTCCACTCAGTTACAACAGCTTCATA[A>T]CCAAGTCTTACTGGAACAACACCAATTGCAAAACCCACCTCCTTCATCTCCTAAGGAGTT-3'
Protein context (NP_115967.2, residues 658-678): LDSTQLQQLH[Asn668Ile]QVLLEQHQLQ